The following is an entry in ClinVar:

ClinVar aggregate classification (germline): Likely pathogenic. Review status: criteria provided, multiple submitters, no conflicts (2 of 4 stars). 6 submissions from 6 submitters: Likely pathogenic (5). 1 of the submissions does not count toward it. Last evaluated 2024-03-01.

Conditions:
Pontocerebellar hypoplasia type 1B. Also called: EXOSC3 Pontocerebellar Hypoplasia. Identifiers: Orphanet 2254, MedGen C3553449, MONDO:0013853, OMIM 614678.

Allele frequency attached by ClinVar (database versions not stated): TOPMed below 0.00001; gnomAD exomes 0.00001 and 0.00002.
gnomAD v4.1: 23 of 1,614,032 alleles (0.0014%); highest among the groups gnomAD compares: Non-Finnish European, 0.0019%; no homozygotes.

Submissions (6):

CeGaT Center for Human Genetics Tuebingen
Classification: Likely pathogenic. Last evaluated: 2024-03-01. Review status: criteria provided, single submitter. Criteria: CeGaT Center For Human Genetics Tuebingen Variant Classification Criteria Version 2. Collection method: clinical testing. Allele origin: germline. Affected: yes. Observed: 2 variant alleles.
Comment: EXOSC3: PM3:Strong, PM2, PM5, PP1

Labcorp Genetics (formerly Invitae), Labcorp
Classification: Likely pathogenic for Pontocerebellar hypoplasia type 1B. Last evaluated: 2023-07-16. Review status: criteria provided, single submitter. Criteria: Invitae Variant Classification Sherloc (09022015). Collection method: clinical testing. Allele origin: germline.
Comment: In summary, the currently available evidence indicates that the variant is pathogenic, but additional data are needed to prove that conclusively. Therefore, this variant has been classified as Likely Pathogenic. Advanced modeling of protein sequence and biophysical properties (such as structural, functional, and spatial information, amino acid conservation, physicochemical variation, residue mobility, and thermodynamic stability) performed at Invitae indicates that this missense variant is expected to disrupt EXOSC3 protein function. ClinVar contains an entry for this variant (Variation ID: 210965). This missense change has been observed in individual(s) with pontocerebellar hypoplasia (PMID: 30986545, 31692161). In at least one individual the data is consistent with being in trans (on the opposite chromosome) from a pathogenic variant. It has also been observed to segregate with disease in related individuals. This variant is present in population databases (rs797045567, gnomAD 0.002%). This sequence change replaces glycine, which is neutral and non-polar, with aspartic acid, which is acidic and polar, at codon 191 of the EXOSC3 protein (p.Gly191Asp).

Clinical Genetics, University of Leipzig
Classification: Likely pathogenic for Pontocerebellar hypoplasia, type 1B. Last evaluated: 2019-03-07. Review status: criteria provided, single submitter. Criteria: ACMG Guidelines, 2015. Collection method: clinical testing. Allele origin: paternal. Inheritance: Autosomal recessive inheritance. Affected: yes. Observed: 2 variant alleles, 2 compound heterozygotes.
Comment: The variant was detected in compound heterozygous state in two siblings with pontocerebellar hypoplasia. Another missense variant c.571G>T, that leads to the same amino acid change p.(Gly191Asp) has already been described as pathogenic Halevy (2014) J Neurol 261: 2165 PubMed: 25149867 and has been functionally characterized Gillespie (2017) RNA 23: 466 PubMed: 28053271. The allele frequency of the variant c.572G>A in gnomAD is 0.008%. In summary we evaluate the variant NM_016042.3:c.572G>A, p.(Gly191Asp) as likely pathogenic based on the ACMG criteria.

Genomic Research Center, Shahid Beheshti University of Medical Sciences
Classification: Likely pathogenic for Pontocerebellar hypoplasia type 1B. Last evaluated: 2017-12-03. Review status: criteria provided, single submitter. Criteria: ACMG Guidelines, 2015. Collection method: clinical testing. Allele origin: inherited. Affected: yes.

Kariminejad - Najmabadi Pathology & Genetics Center
Classification: Likely pathogenic for Pontocerebellar hypoplasia type 1B. Review status: criteria provided, single submitter. Criteria: ACMG Guidelines, 2015. Collection method: clinical testing. Allele origin: germline. Affected: no.

Genetic Services Laboratory, University of Chicago
Classification: Uncertain significance. Last evaluated: 2014-09-16. Review status: flagged submission. Criteria: ACMG Guidelines, 2015. Collection method: clinical testing. Allele origin: germline. Not counted in ClinVar's aggregate classification.
ClinVar note: Reason: Older and outlier claim with insufficient supporting evidence

Literature cited by the submitters: PubMed 30986545 (cited by Labcorp Genetics (formerly Invitae), Labcorp); PubMed 31692161 (cited by Labcorp Genetics (formerly Invitae), Labcorp).

NM_016042.4(EXOSC3):c.572G>A (p.Gly191Asp)

Gene: EXOSC3 (exosome component 3; minus strand). Cytogenetic location: 9p13.2.
Variant type: single nucleotide variant.
Coding change: c.572G>A on transcript NM_016042.4 (MANE Select); coding-DNA position 572, G replaced by A.
Protein change: p.Gly191Asp; replaces glycine 191 with aspartic acid.
Molecular consequence: missense variant. On other transcripts: intron variant (1).
Genome position (GRCh38, 1-based): chr9:37,782,040, C>T on the plus strand (G>A on the coding strand, the complement: EXOSC3 is on the minus strand). VCF-style: chr9-37782040-C-T. GRCh37 (hg19) VCF-style: chr9-37782037-C-T.
Other names: c.475-1160G>A (NM_001002269.2); short protein forms G191D.
Identifiers: ClinVar variation 210965 (VCV000210965.35), dbSNP rs797045567, ClinGen allele CA205371.